The following is an entry in ClinVar:

ClinVar aggregate classification (germline): Likely benign. Review status: criteria provided, single submitter (1 of 4 stars). 2 submissions from 2 submitters: Likely benign (1). 1 of the submissions does not count toward it. Last evaluated 2024-05-06.

Conditions:
PMPCB-related disorder. Also called: PMPCB-related condition.

Allele frequency attached by ClinVar (database versions not stated): gnomAD 0.00001; gnomAD exomes 0.00001; TOPMed 0.00005.
gnomAD v4.1: 24 of 1,611,968 alleles (0.0015%); highest among the groups gnomAD compares: Non-Finnish European, 0.0016%; no homozygotes.

Submissions (2):

Labcorp Genetics (formerly Invitae), Labcorp
Classification: Likely benign. Last evaluated: 2024-05-06. Review status: criteria provided, single submitter. Criteria: Invitae Variant Classification Sherloc (09022015). Collection method: clinical testing. Allele origin: germline.

PreventionGenetics, part of Exact Sciences
Classification: Likely benign for PMPCB-related condition. Last evaluated: 2020-02-07. Review status: no assertion criteria provided. Collection method: clinical testing. Allele origin: germline. Not counted in ClinVar's aggregate classification.
Comment: This variant is classified as likely benign based on ACMG/AMP sequence variant interpretation guidelines (Richards et al. 2015 PMID: 25741868, with internal and published modifications).

NM_004279.3(PMPCB):c.303C>T (p.His101=)

Gene: PMPCB (peptidase, mitochondrial processing subunit beta; plus strand). Cytogenetic location: 7q22.1.
Variant type: single nucleotide variant.
Coding change: c.303C>T on transcript NM_004279.3 (MANE Select); coding-DNA position 303, C replaced by T.
Protein change: p.His101=; no amino-acid change (histidine 101 retained).
Molecular consequence: synonymous variant.
Genome position (GRCh38, 1-based): chr7:103,299,505, C>T. VCF-style: chr7-103299505-C-T. GRCh37 (hg19) VCF-style: chr7-102939952-C-T.
Other names: c.303C>T (NM_004279.2).
Identifiers: ClinVar variation 2061017 (VCV002061017.6), dbSNP rs1005223981, ClinGen allele CA163864243.